The following is an entry in ClinVar:

ClinVar aggregate classification (germline): Uncertain significance (1 of 4 stars; one submission).

Conditions:
Inborn genetic diseases. Identifiers: MedGen C0950123, MeSH D030342.

Submission:

Ambry Genetics
Classification: Uncertain significance for Inborn genetic diseases. Last evaluated: 2025-07-12. Review status: criteria provided, single submitter. Criteria: Ambry Variant Classification Scheme 2023. Collection method: clinical testing. Allele origin: germline.
Comment: The p.V596F variant (also known as c.1786G>T), located in coding exon 20 of the FANCA gene, results from a G to T substitution at nucleotide position 1786. The valine at codon 596 is replaced by phenylalanine, an amino acid with highly similar properties. This amino acid position is conserved. In addition, this alteration is predicted to be tolerated by in silico analysis. Based on the available evidence, the clinical significance of this variant remains unclear.

NM_000135.4(FANCA):c.1786G>T (p.Val596Phe)

Gene: FANCA (FA complementation group A; minus strand). Cytogenetic location: 16q24.3.
Variant type: single nucleotide variant.
Coding change: c.1786G>T on transcript NM_000135.4 (MANE Select); coding-DNA position 1786, G replaced by T.
Protein change: p.Val596Phe; replaces valine 596 with phenylalanine.
Molecular consequence: missense variant.
Genome position (GRCh38, 1-based): chr16:89,778,841, C>A on the plus strand (G>T on the coding strand, the complement: FANCA is on the minus strand). VCF-style: chr16-89778841-C-A. GRCh37 (hg19) VCF-style: chr16-89845249-C-A.
Other names: c.1786G>T, p.Val596Phe (NM_001286167.3); short protein forms V596F.
Identifiers: ClinVar variation 4254190 (VCV004254190.1).
Genomic context (GRCh38, chr16:89,778,841, plus strand): 5'-TTCTAACCGTTGCTGCATACCTCTTCAGAGACTCTATAAACGCCACACGGGAGTCAGGGA[C>A]TTTGGGGAGCTGTGGGAAGAGAAGAGACCTGTGAGAGACTGACAAGGAAAGTCCTTGCTT-3'
Protein context (NP_000126.2, residues 586-606): ALLTPRVLPK[Val596Phe]PDSRVAFIES